The following is an entry in ClinVar:

ClinVar aggregate classification (germline): Uncertain significance (1 of 4 stars; one submission).

Conditions:
Familial cold autoinflammatory syndrome 3 (FCAS3). Also called: FAMILIAL ATYPICAL COLD URTICARIA; ANTIBODY DEFICIENCY AND IMMUNE DYSREGULATION, PLCG2-ASSOCIATED. Identifiers: Orphanet 300359, MedGen C3280914, MONDO:0013766, OMIM 614468.

Allele frequency attached by ClinVar (database versions not stated): TOPMed below 0.00001.

Submission:

Labcorp Genetics (formerly Invitae), Labcorp
Classification: Uncertain significance for Familial cold autoinflammatory syndrome 3. Last evaluated: 2024-11-05. Review status: criteria provided, single submitter. Criteria: Invitae Variant Classification Sherloc (09022015). Collection method: clinical testing. Allele origin: germline.
Comment: This sequence change replaces isoleucine, which is neutral and non-polar, with threonine, which is neutral and polar, at codon 749 of the PLCG2 protein (p.Ile749Thr). This variant is not present in population databases (gnomAD no frequency). This variant has not been reported in the literature in individuals affected with PLCG2-related conditions. ClinVar contains an entry for this variant (Variation ID: 2844203). An algorithm developed to predict the effect of missense changes on protein structure and function (PolyPhen-2) suggests that this variant is likely to be tolerated. In summary, the available evidence is currently insufficient to determine the role of this variant in disease. Therefore, it has been classified as a Variant of Uncertain Significance.

NM_002661.5(PLCG2):c.2246T>C (p.Ile749Thr)

Gene: PLCG2 (phospholipase C gamma 2; plus strand). Cytogenetic location: 16q23.3.
Variant type: single nucleotide variant.
Coding change: c.2246T>C on transcript NM_002661.5 (MANE Select); coding-DNA position 2246, T replaced by C.
Protein change: p.Ile749Thr; replaces isoleucine 749 with threonine.
Molecular consequence: missense variant.
Genome position (GRCh38, 1-based): chr16:81,921,208, T>C. VCF-style: chr16-81921208-T-C. GRCh37 (hg19) VCF-style: chr16-81954813-T-C.
Other names: c.2246T>C, p.Ile749Thr (NM_001425749.1, NM_001425750.1, NM_001425751.1); short protein forms I749T.
Identifiers: ClinVar variation 2844203 (VCV002844203.3), dbSNP rs1910047246, ClinGen allele CA396902222.